The following is an entry in ClinVar:

ClinVar aggregate classification (germline): Likely benign. Review status: criteria provided, multiple submitters, no conflicts (2 of 4 stars). 2 submissions from 2 submitters: Likely benign (2). Last evaluated 2023-12-05.

Conditions:
Creatine transporter deficiency (CCDS1). Also called: SLC6A8-Related Creatine Transporter Deficiency; CREATINE TRANSPORTER DEFECT; CEREBRAL CREATINE DEFICIENCY SYNDROME 1; Mental retardation , X-linked with seizures, short stature and midface hypoplasia; Mental retardation , X-linked, with creatine transport deficiency; X-linked creatine transporter deficiency. Identifiers: Orphanet 52503, MedGen C1845862, MONDO:0010305, OMIM 300352.

Allele frequency attached by ClinVar (database versions not stated): TOPMed 0.00001.
gnomAD v4.1: 3 of 1,209,750 alleles (0.00025%); highest among the groups gnomAD compares: Non-Finnish European, 0.00034%; no homozygotes.

Submissions (2):

Labcorp Genetics (formerly Invitae), Labcorp
Classification: Likely benign for Creatine transporter deficiency. Last evaluated: 2023-12-05. Review status: criteria provided, single submitter. Criteria: Invitae Variant Classification Sherloc (09022015). Collection method: clinical testing. Allele origin: germline.

GeneDx
Classification: Likely benign. Last evaluated: 2016-03-10. Review status: criteria provided, single submitter. Criteria: GeneDx Variant Classification (06012015). Collection method: clinical testing. Allele origin: germline. Affected: yes.
Comment: This variant is considered likely benign or benign based on one or more of the following criteria: it is a conservative change, it occurs at a poorly conserved position in the protein, it is predicted to be benign by multiple in silico algorithms, and/or has population frequency not consistent with disease.

NM_005629.4(SLC6A8):c.1632G>C (p.Pro544=)

Gene: SLC6A8 (solute carrier family 6 member 8; plus strand). Cytogenetic location: Xq28.
Variant type: single nucleotide variant.
Coding change: c.1632G>C on transcript NM_005629.4 (MANE Select); coding-DNA position 1632, G replaced by C.
Protein change: p.Pro544=; no amino-acid change (proline 544 retained).
Molecular consequence: synonymous variant.
Genome position (GRCh38, 1-based): chrX:153,694,754, G>C. VCF-style: chrX-153694754-G-C. GRCh37 (hg19) VCF-style: chrX-152960209-G-C.
Other names: c.1602G>C, p.Pro534= (NM_001142805.2); c.1287G>C, p.Pro429= (NM_001142806.1).
Identifiers: ClinVar variation 384385 (VCV000384385.9), dbSNP rs782393373, ClinGen allele CA16608771.